The following is an entry in ClinVar:

NM_032043.3(BRIP1):c.3584_3586delinsGG (p.Leu1195fs)

Gene: BRIP1 (BRCA1 interacting DNA helicase 1; minus strand). Cytogenetic location: 17q23.2.
Variant type: Indel.
Coding change: c.3584_3586delinsGG on transcript NM_032043.3 (MANE Select); coding-DNA positions 3584 to 3586, TGA replaced by GG.
Protein change: p.Leu1195fs; shifts the reading frame from leucine 1195.
Molecular consequence: frameshift variant.
Genome position (GRCh38, 1-based): chr17:61,683,460-61,683,462, TCA replaced by CC on the plus strand (TGA replaced by GG on the coding strand, the reverse complement: BRIP1 is on the minus strand). VCF-style: chr17-61683460-TCA-CC. GRCh37 (hg19) VCF-style: chr17-59760821-TCA-CC.
Other names: c.3584_3586delTGAinsGG (NM_032043.2); short protein forms L1195fs.
Identifiers: ClinVar variation 489836 (VCV000489836.11), dbSNP rs1555572519, ClinGen allele CA658684145.

ClinVar aggregate classification (germline): Uncertain significance. Review status: criteria provided, multiple submitters, no conflicts (2 of 4 stars). 2 submissions from 2 submitters: Uncertain significance (2). Last evaluated 2019-10-22.

Conditions:
Hereditary cancer-predisposing syndrome. Also called: Tumor predisposition; Neoplastic Syndromes, Hereditary; Hereditary Cancer Syndrome; Hereditary neoplastic syndrome. Identifiers: Orphanet 140162, MedGen C0027672, MeSH D009386, MONDO:0015356.
Fanconi anemia complementation group J. Also called: BRIP1-Related Fanconi Anemia. Identifiers: Orphanet 84, MedGen C1836860, MONDO:0012187, OMIM 609054.
Familial cancer of breast. Also called: BREAST CANCER, FAMILIAL; hereditary breast carcinoma; Hereditary breast cancer. Identifiers: Orphanet 227535, MedGen C0346153, MONDO:0016419, OMIM 114480. Disease mechanism: loss of function.

Submissions (2):

Labcorp Genetics (formerly Invitae), Labcorp
Classification: Uncertain significance for Familial cancer of breast; Fanconi anemia complementation group J. Last evaluated: 2019-10-22. Review status: criteria provided, single submitter. Criteria: Invitae Variant Classification Sherloc (09022015). Collection method: clinical testing. Allele origin: germline.
Comment: This variant is not present in population databases (ExAC no frequency). This sequence change results in a premature translational stop signal in the BRIP1 gene (p.Leu1195Trpfs*19). While this is not anticipated to result in nonsense mediated decay, it is expected to disrupt the last 55 amino acids of the BRIP1 protein. This variant has not been reported in the literature in individuals with BRIP1-related conditions. In summary, the available evidence is currently insufficient to determine the role of this variant in disease. Therefore, it has been classified as a Variant of Uncertain Significance. Experimental studies and prediction algorithms are not available or were not evaluated, and the functional significance of this variant is currently unknown.

Color Diagnostics, LLC DBA Color Health
Classification: Uncertain significance for Hereditary cancer-predisposing syndrome. Last evaluated: 2019-04-26. Review status: criteria provided, single submitter. Criteria: ACMG Guidelines, 2015. Collection method: clinical testing. Allele origin: germline.